The following is an entry in ClinVar:

ClinVar aggregate classification (germline): Uncertain significance (1 of 4 stars; one submission).

Submission:

GeneDx
Classification: Uncertain significance. Last evaluated: 2021-09-16. Review status: criteria provided, single submitter. Criteria: GeneDx Variant Classification Process June 2021. Collection method: clinical testing. Allele origin: germline. Affected: yes.
Comment: Not observed in large population cohorts (Lek et al., 2016); In silico analysis supports that this missense variant has a deleterious effect on protein structure/function; Has not been previously published as pathogenic or benign to our knowledge

NM_024408.4(NOTCH2):c.5723A>G (p.Asn1908Ser)

Gene: NOTCH2 (notch receptor 2; minus strand). Cytogenetic location: 1p12.
Variant type: single nucleotide variant.
Coding change: c.5723A>G on transcript NM_024408.4 (MANE Select); coding-DNA position 5723, A replaced by G.
Protein change: p.Asn1908Ser; replaces asparagine 1908 with serine.
Molecular consequence: missense variant.
Genome position (GRCh38, 1-based): chr1:119,919,370, T>C on the plus strand (A>G on the coding strand, the complement: NOTCH2 is on the minus strand). VCF-style: chr1-119919370-T-C. GRCh37 (hg19) VCF-style: chr1-120461993-T-C.
Other names: short protein forms N1908S.
Identifiers: ClinVar variation 1302423 (VCV001302423.2), dbSNP rs1649194488, ClinGen allele CA341884035.
Genomic context (GRCh38, chr1:119,919,370, plus strand): 5'-ACCTGGAAGACACCTTGGGCATCAGCTGCCACTGCAGCATGGAGTGGACAGCGGCCCATG[T>C]TGTCCTGGGCATTGGCATCTGCACCTGCATCCAGGAGACGCTTGGCAGCATCAGCCCGTG-3'
Protein context (NP_077719.2, residues 1898-1918): DAGADANAQD[Asn1908Ser]MGRCPLHAAV